The following is an entry in ClinVar:

ClinVar aggregate classification (germline): Uncertain significance (1 of 4 stars; one submission).

Submission:

GeneDx
Classification: Uncertain significance. Last evaluated: 2023-05-09. Review status: criteria provided, single submitter. Criteria: GeneDx Variant Classification Process June 2021. Collection method: clinical testing. Allele origin: germline. Affected: yes.
Comment: Not observed at significant frequency in large population cohorts (gnomAD); In silico analysis supports that this missense variant has a deleterious effect on protein structure/function; Has not been previously published as pathogenic or benign to our knowledge

NM_002240.5(KCNJ6):c.584A>C (p.Gln195Pro)

Genes: KCNJ6 (potassium inwardly rectifying channel subfamily J member 6; minus strand), KCNJ6-AS1 (KCNJ6 antisense RNA 1; plus strand). Cytogenetic location: 21q22.13.
Variant type: single nucleotide variant.
Coding change: c.584A>C on transcript NM_002240.5 (MANE Select); coding-DNA position 584, A replaced by C.
Protein change: p.Gln195Pro; replaces glutamine 195 with proline.
Molecular consequence: missense variant. On other transcripts: non-coding transcript variant (1).
Genome position (GRCh38, 1-based): chr21:37,714,573, T>G on the plus strand (A>C on the coding strand, the complement: KCNJ6 is on the minus strand). VCF-style: chr21-37714573-T-G. GRCh37 (hg19) VCF-style: chr21-39086876-T-G.
Other names: short protein forms Q195P.
Identifiers: ClinVar variation 2662053 (VCV002662053.1), dbSNP rs2518196847, ClinGen allele CA409968484.